The following is an entry in ClinVar:

ClinVar aggregate classification (germline): Uncertain significance (1 of 4 stars; one submission).

Submission:

Greenwood Genetic Center Diagnostic Laboratories, Greenwood Genetic Center
Classification: Uncertain significance. Last evaluated: 2023-03-02. Review status: criteria provided, single submitter. Criteria: ACMG Guidelines, 2015. Collection method: clinical testing. Allele origin: germline. Affected: yes.
Comment: PM2, PP2, PP3

NM_001282116.2(RFX3):c.997T>A (p.Phe333Ile)

Gene: RFX3 (regulatory factor X3; minus strand). Cytogenetic location: 9p24.2.
Variant type: single nucleotide variant.
Coding change: c.997T>A on transcript NM_001282116.2 (MANE Select); coding-DNA position 997, T replaced by A.
Protein change: p.Phe333Ile; replaces phenylalanine 333 with isoleucine.
Molecular consequence: missense variant.
Genome position (GRCh38, 1-based): chr9:3,275,589, A>T on the plus strand (T>A on the coding strand, the complement: RFX3 is on the minus strand). VCF-style: chr9-3275589-A-T. GRCh37 (hg19) VCF-style: chr9-3275589-A-T.
Other names: c.997T>A, p.Phe333Ile (NM_001282117.2, NM_001377999.1, NM_002919.4 and 1 more transcripts); short protein forms F333I.
Identifiers: ClinVar variation 2505190 (VCV002505190.1), dbSNP rs1825099531, ClinGen allele CA372838694.
Genomic context (GRCh38, chr9:3,275,589, plus strand): 5'-GTGACTTGATATCCTCAAAGGTAGTACCATCTGGCAGAGAAGAGATTTCAACTTCTCCAA[A>T]CTCTGGAAGTGCTCGAGATGCATCTGTTACCGTGACAACAGAACAGAAAAAAGCTATTGT-3'
Protein context (NP_001269045.1, residues 323-343): FLDASRALPE[Phe333Ile]GEVEISSLPD